The following is an entry in ClinVar:

NM_001042492.3(NF1):c.6360T>C (p.Ala2120=)

Gene: NF1 (neurofibromin 1; plus strand). Cytogenetic location: 17q11.2.
Variant type: single nucleotide variant.
Coding change: c.6360T>C on transcript NM_001042492.3 (MANE Select); coding-DNA position 6360, T replaced by C.
Protein change: p.Ala2120=; no amino-acid change (alanine 2120 retained).
Molecular consequence: synonymous variant.
Genome position (GRCh38, 1-based): chr17:31,336,847, T>C. VCF-style: chr17-31336847-T-C. GRCh37 (hg19) VCF-style: chr17-29663865-T-C.
Other names: c.6297T>C, p.Ala2099= (NM_000267.4).
Identifiers: ClinVar variation 229911 (VCV000229911.38), dbSNP rs371578074, ClinGen allele CA8487338.

ClinVar aggregate classification (germline): Benign/Likely benign. Review status: criteria provided, multiple submitters, no conflicts (2 of 4 stars). 9 submissions from 9 submitters: Benign (1); Likely benign (8). Last evaluated 2026-05-21.

Conditions:
Hereditary cancer-predisposing syndrome. Also called: Neoplastic Syndromes, Hereditary; Hereditary Cancer Syndrome; Tumor predisposition; Hereditary neoplastic syndrome. Identifiers: Orphanet 140162, MedGen C0027672, MeSH D009386, MONDO:0015356.
Juvenile myelomonocytic leukemia (JMML). Also called: LEUKEMIA, JUVENILE MYELOMONOCYTIC, SOMATIC. Identifiers: Orphanet 86834, MedGen C0349639, MONDO:0011908, OMIM 607785, HP:0012209.
Neurofibromatosis, familial spinal (FSNF). Identifiers: Orphanet 636, MedGen C1834235, MONDO:0008078, OMIM 162210. Disease mechanism: loss of function.
Neurofibromatosis-Noonan syndrome (NFNS). Also called: NEUROFIBROMATOSIS WITH NOONAN PHENOTYPE. Identifiers: Orphanet 638, MedGen C2931482, MONDO:0011035, OMIM 601321. Disease mechanism: loss of function.
Café-au-lait macules with pulmonary stenosis (WTSN). Also called: PULMONIC STENOSIS WITH CAFE-AU-LAIT SPOTS. Identifiers: MedGen C0553586, MONDO:0008672, OMIM 193520.
Neurofibromatosis, type 1 (NF1). Also called: VON RECKLINGHAUSEN DISEASE; Peripheral type neurofibromatosis; NEUROFIBROMATOSIS, TYPE I, SOMATIC; Neurofibromatosis, type I. Identifiers: Orphanet 636, MedGen C0027831, MONDO:0018975, OMIM 162200. Disease mechanism: loss of function.

Allele frequency attached by ClinVar (database versions not stated): gnomAD exomes 0.00001 and 0.00003; ExAC 0.00002; gnomAD 0.00003 and 0.00004; TOPMed 0.00003; ESP Exome Variant Server 0.00008.
gnomAD v4.1: 25 of 1,613,790 alleles (0.0015%); highest among the groups gnomAD compares: Non-Finnish European, 0.0018%; no homozygotes.

Submissions (9):

Myriad Genetics, Inc.
Classification: Benign for Neurofibromatosis, type 1. Last evaluated: 2026-05-21. Review status: criteria provided, single submitter. Criteria: Myriad Autosomal Dominant, Autosomal Recessive and X-Linked Classification Criteria (2023). Collection method: clinical testing. Allele origin: unknown.
Comment: This variant is considered benign. This variant is a silent/synonymous amino acid change and it is not expected to impact splicing.

Labcorp Genetics (formerly Invitae), Labcorp
Classification: Likely benign for Neurofibromatosis, type 1. Last evaluated: 2026-01-14. Review status: criteria provided, single submitter. Criteria: Invitae Variant Classification Sherloc (09022015). Collection method: clinical testing. Allele origin: germline.

CeGaT Center for Human Genetics Tuebingen
Classification: Likely benign. Last evaluated: 2025-11-01. Review status: criteria provided, single submitter. Criteria: CeGaT Center For Human Genetics Tuebingen Variant Classification Criteria Version 2. Collection method: clinical testing. Allele origin: germline. Affected: yes. Observed: 1 variant allele.
Comment: NF1: BP4, BP7

Women's Health and Genetics/Laboratory Corporation of America, LabCorp
Classification: Likely benign. Last evaluated: 2025-07-18. Review status: criteria provided, single submitter. Criteria: LabCorp Variant Classification Summary - May 2015. Collection method: clinical testing. Allele origin: germline.

Fulgent Genetics
Classification: Likely benign for Neurofibromatosis, type 1; Neurofibromatosis, familial spinal; Café-au-lait macules with pulmonary stenosis; Neurofibromatosis-Noonan syndrome; Juvenile myelomonocytic leukemia. Last evaluated: 2022-05-23. Review status: criteria provided, single submitter. Criteria: ACMG Guidelines, 2015. Collection method: clinical testing. Allele origin: unknown.

Genome-Nilou Lab
Classification: Likely benign for Neurofibromatosis, type 1. Last evaluated: 2022-03-15. Review status: criteria provided, single submitter. Criteria: ACMG Guidelines, 2015. Collection method: clinical testing. Allele origin: germline. Affected: no.

Sema4
Classification: Likely benign for Hereditary cancer-predisposing syndrome. Last evaluated: 2022-01-09. Review status: criteria provided, single submitter. Criteria: Sema4 Curation Guidelines. Collection method: curation. Allele origin: germline.

GeneDx
Classification: Likely benign. Last evaluated: 2019-11-22. Review status: criteria provided, single submitter. Criteria: GeneDx Variant Classification Process June 2021. Collection method: clinical testing. Allele origin: germline. Affected: yes.

Ambry Genetics
Classification: Likely benign for Hereditary cancer-predisposing syndrome. Last evaluated: 2015-01-06. Review status: criteria provided, single submitter. Criteria: Ambry Autosomal Dominant and X-Linked criteria (10/2015). Collection method: clinical testing. Allele origin: germline. Observed: 1 variant allele.

Literature cited by the submitters: PubMed 10678181 (cited by Women's Health and Genetics/Laboratory Corporation of America, LabCorp); PubMed 23460398 (cited by Women's Health and Genetics/Laboratory Corporation of America, LabCorp); PubMed 29872168 (cited by Women's Health and Genetics/Laboratory Corporation of America, LabCorp); PubMed 27069254 (cited by Women's Health and Genetics/Laboratory Corporation of America, LabCorp).